The following is an entry in ClinVar:

NM_000214.3(JAG1):c.270G>T (p.Gly90=)

Gene: JAG1 (jagged canonical Notch ligand 1; minus strand). Cytogenetic location: 20p12.2.
Variant type: single nucleotide variant.
Coding change: c.270G>T on transcript NM_000214.3 (MANE Select); coding-DNA position 270, G replaced by T.
Protein change: p.Gly90=; no amino-acid change (glycine 90 retained).
Molecular consequence: synonymous variant.
Genome position (GRCh38, 1-based): chr20:10,672,818, C>A on the plus strand (G>T on the coding strand, the complement: JAG1 is on the minus strand). VCF-style: chr20-10672818-C-A. GRCh37 (hg19) VCF-style: chr20-10653466-C-A.
Other names: p.Gly90=.
Identifiers: ClinVar variation 42477 (VCV000042477.32), dbSNP rs114048678, ClinGen allele CA131301.

ClinVar aggregate classification (germline): Benign/Likely benign. Review status: criteria provided, multiple submitters, no conflicts (2 of 4 stars). 13 submissions from 13 submitters: Benign (8); Likely benign (2). 3 of the submissions do not count toward it. Last evaluated 2026-02-02.

Conditions:
Isolated Nonsyndromic Congenital Heart Disease.
Alagille syndrome due to a JAG1 point mutation. Also called: HEPATIC DUCTULAR HYPOPLASIA, SYNDROMATIC; Alagille Syndrome 1; JAG1-Related Alagille Syndrome. Identifiers: Orphanet 261619, Orphanet 52, MedGen C1956125, MONDO:0016862, OMIM 118450.

Allele frequency attached by ClinVar (database versions not stated): gnomAD exomes 0.00622; ExAC 0.00756; gnomAD 0.02309 and 0.02490; ESP Exome Variant Server 0.02391; 1000 Genomes Project 0.02516; TOPMed 0.02516; 1000 Genomes Project 30x 0.02592.

Submissions (13):

Labcorp Genetics (formerly Invitae), Labcorp
Classification: Benign for Alagille syndrome due to a JAG1 point mutation. Last evaluated: 2026-02-02. Review status: criteria provided, single submitter. Criteria: Invitae Variant Classification Sherloc (09022015). Collection method: clinical testing. Allele origin: germline.

Women's Health and Genetics/Laboratory Corporation of America, LabCorp
Classification: Benign. Last evaluated: 2025-07-24. Review status: criteria provided, single submitter. Criteria: LabCorp Variant Classification Summary - May 2015. Collection method: clinical testing. Allele origin: germline.

Blueprint Genetics
Classification: Benign. Last evaluated: 2024-11-26. Review status: criteria provided, single submitter. Criteria: ACMG Guidelines, 2015. Collection method: clinical testing. Allele origin: germline.

Mayo Clinic Laboratories, Mayo Clinic
Classification: Benign. Last evaluated: 2022-10-15. Review status: criteria provided, single submitter. Criteria: ACMG Guidelines, 2015. Collection method: clinical testing. Allele origin: germline. Observed: 38 variant alleles.

Illumina Laboratory Services, Illumina
Classification: Likely benign for Isolated Nonsyndromic Congenital Heart Disease. Last evaluated: 2017-04-27. Review status: criteria provided, single submitter. Criteria: ICSL Variant Classification Criteria 13 December 2019. Collection method: clinical testing. Allele origin: germline.
Comment: This variant was observed as part of a predisposition screen in an ostensibly healthy population. A literature search was performed for the gene, cDNA change, and amino acid change (where applicable). No publications were found based on this search. Allele frequency data from public databases allowed determination this variant is unlikely to cause disease. Therefore, this variant is classified as likely benign.

Eurofins Ntd Llc (ga)
Classification: Benign. Last evaluated: 2016-08-11. Review status: criteria provided, single submitter. Criteria: EGL Classification Definitions 2015. Collection method: clinical testing. Allele origin: germline. Observed: 1 variant allele, 1 heterozygote.

GeneDx
Classification: Benign. Last evaluated: 2015-03-03. Review status: criteria provided, single submitter. Criteria: GeneDx Variant Classification Process June 2021. Collection method: clinical testing. Allele origin: germline. Affected: yes.

Laboratory for Molecular Medicine, Mass General Brigham Personalized Medicine
Classification: Benign. Last evaluated: 2011-03-09. Review status: criteria provided, single submitter. Criteria: LMM Criteria. Collection method: clinical testing. Allele origin: germline. Observed: 3 variant alleles.

Breakthrough Genomics
Classification: Likely benign. Review status: criteria provided, single submitter. Criteria: ACMG Guidelines, 2015. Collection method: not provided. Allele origin: germline. Inheritance: Autosomal dominant inheritance. Affected: yes.

PreventionGenetics, part of Exact Sciences
Classification: Benign. Review status: criteria provided, single submitter. Criteria: ACMG Guidelines, 2015. Collection method: clinical testing. Allele origin: germline.

Clinical Genetics DNA and cytogenetics Diagnostics Lab, Erasmus MC, Erasmus Medical Center
Classification: Benign. Review status: no assertion criteria provided. Collection method: clinical testing. Allele origin: germline. Affected: yes. Study: VKGL Data-share Consensus. Not counted in ClinVar's aggregate classification.

Clinical Genetics, Academic Medical Center
Classification: Benign. Review status: no assertion criteria provided. Collection method: clinical testing. Allele origin: germline. Affected: yes. Study: VKGL Data-share Consensus. Not counted in ClinVar's aggregate classification.

Joint Genome Diagnostic Labs from Nijmegen and Maastricht, Radboudumc and MUMC+
Classification: Benign. Review status: no assertion criteria provided. Collection method: clinical testing. Allele origin: germline. Affected: yes. Study: VKGL Data-share Consensus. Not counted in ClinVar's aggregate classification.